The following is an entry in ClinVar:

NM_000038.6(APC):c.2632T>C (p.Leu878=)

Gene: APC (APC regulator of Wnt signaling pathway; plus strand). Cytogenetic location: 5q22.2.
Variant type: single nucleotide variant.
Coding change: c.2632T>C on transcript NM_000038.6 (MANE Select); coding-DNA position 2632, T replaced by C.
Protein change: p.Leu878=; no amino-acid change (leucine 878 retained).
Molecular consequence: synonymous variant.
Genome position (GRCh38, 1-based): chr5:112,838,226, T>C. VCF-style: chr5-112838226-T-C. GRCh37 (hg19) VCF-style: chr5-112173923-T-C.
Other names: c.2632T>C, p.Leu878= (NM_001127510.3, NM_001354895.2); c.2578T>C, p.Leu860= (NM_001127511.3); c.2686T>C, p.Leu896= (NM_001354896.2); c.2662T>C, p.Leu888= (NM_001354897.2); c.2557T>C, p.Leu853= (NM_001354898.2); c.2548T>C, p.Leu850= (NM_001354899.2); c.2509T>C, p.Leu837= (NM_001354900.2); c.2455T>C, p.Leu819= (NM_001354901.2); and 5 more.
Identifiers: ClinVar variation 490246 (VCV000490246.17), dbSNP rs1476958808, ClinGen allele CA445962970.

ClinVar aggregate classification (germline): Benign/Likely benign. Review status: criteria provided, multiple submitters, no conflicts (2 of 4 stars). 6 submissions from 6 submitters: Benign (1); Likely benign (5). Last evaluated 2025-09-14.

Conditions:
Familial adenomatous polyposis 1 (FAP1). Also called: POLYPOSIS, ADENOMATOUS INTESTINAL; FAMILIAL ADENOMATOUS POLYPOSIS 1, ATTENUATED. Identifiers: MedGen C2713442, MONDO:0021056, OMIM 175100. Disease mechanism: loss of function.
Classic or attenuated familial adenomatous polyposis. Identifiers: MedGen CN372698, MONDO:0021057.
Hereditary cancer-predisposing syndrome. Also called: Hereditary Cancer Syndrome; Neoplastic Syndromes, Hereditary; Tumor predisposition; Hereditary neoplastic syndrome. Identifiers: Orphanet 140162, MedGen C0027672, MeSH D009386, MONDO:0015356.

Allele frequency attached by ClinVar (database versions not stated): gnomAD exomes below 0.00001.
gnomAD v4.1: 4 of 1,613,950 alleles (0.00025%); highest among the groups gnomAD compares: Non-Finnish European, 0.00034%; no homozygotes.

Submissions (6):

Labcorp Genetics (formerly Invitae), Labcorp
Classification: Likely benign for Familial adenomatous polyposis 1. Last evaluated: 2025-09-14. Review status: criteria provided, single submitter. Criteria: Invitae Variant Classification Sherloc (09022015). Collection method: clinical testing. Allele origin: germline.

Myriad Genetics, Inc.
Classification: Benign for Familial adenomatous polyposis 1. Last evaluated: 2024-03-14. Review status: criteria provided, single submitter. Criteria: Myriad Autosomal Dominant, Autosomal Recessive and X-Linked Classification Criteria (2023). Collection method: clinical testing. Allele origin: unknown.
Comment: This variant is considered benign. This variant is a silent/synonymous amino acid change and it is not expected to impact splicing.

Molecular Pathology, Peter Maccallum Cancer Centre
Classification: Likely benign for Familial adenomatous polyposis 1. Last evaluated: 2024-02-15. Review status: criteria provided, single submitter. Criteria: ACMG Guidelines, 2015. Collection method: clinical testing. Allele origin: germline. Inheritance: Autosomal dominant inheritance.

All of Us Research Program, National Institutes of Health
Classification: Likely benign for Classic or attenuated familial adenomatous polyposis. Last evaluated: 2023-04-28. Review status: criteria provided, single submitter. Criteria: ACMG Guidelines, 2015. Collection method: clinical testing. Allele origin: germline. Inheritance: Autosomal dominant inheritance. Observed: 1 variant allele, 1 heterozygote.
Comment: This study involves interpretation of variants in research participants for the purpose of population health screening. Participant phenotype was not available at the time of variant classification. Additional details can be found in publication PMID: 35346344, PMCID: PMC8962531

Ambry Genetics
Classification: Likely benign for Hereditary cancer-predisposing syndrome. Last evaluated: 2021-04-27. Review status: criteria provided, single submitter. Criteria: Ambry Variant Classification Scheme 2023. Collection method: clinical testing. Allele origin: germline.

Color Diagnostics, LLC DBA Color Health
Classification: Likely benign for Hereditary cancer-predisposing syndrome. Last evaluated: 2016-06-28. Review status: criteria provided, single submitter. Criteria: ACMG Guidelines, 2015. Collection method: clinical testing. Allele origin: germline.